The following is an entry in ClinVar:

ClinVar aggregate classification (germline): Uncertain significance (1 of 4 stars; one submission).

Conditions:
Spastic paraplegia. Identifiers: MedGen C0037772, HP:0001258.

Submission:

Labcorp Genetics (formerly Invitae), Labcorp
Classification: Uncertain significance for Spastic paraplegia. Last evaluated: 2023-11-27. Review status: criteria provided, single submitter. Criteria: Invitae Variant Classification Sherloc (09022015). Collection method: clinical testing. Allele origin: germline.
Comment: This sequence change replaces aspartic acid, which is acidic and polar, with histidine, which is basic and polar, at codon 462 of the KIF5A protein (p.Asp462His). This variant is not present in population databases (gnomAD no frequency). This variant has not been reported in the literature in individuals affected with KIF5A-related conditions. Advanced modeling of protein sequence and biophysical properties (such as structural, functional, and spatial information, amino acid conservation, physicochemical variation, residue mobility, and thermodynamic stability) has been performed at Invitae for this missense variant, however the output from this modeling did not meet the statistical confidence thresholds required to predict the impact of this variant on KIF5A protein function. In summary, the available evidence is currently insufficient to determine the role of this variant in disease. Therefore, it has been classified as a Variant of Uncertain Significance.

NM_004984.4(KIF5A):c.1384G>C (p.Asp462His)

Gene: KIF5A (kinesin family member 5A; plus strand). Cytogenetic location: 12q13.3.
Variant type: single nucleotide variant.
Coding change: c.1384G>C on transcript NM_004984.4 (MANE Select); coding-DNA position 1384, G replaced by C.
Protein change: p.Asp462His; replaces aspartic acid 462 with histidine.
Molecular consequence: missense variant.
Genome position (GRCh38, 1-based): chr12:57,572,082, G>C. VCF-style: chr12-57572082-G-C. GRCh37 (hg19) VCF-style: chr12-57965865-G-C.
Other names: c.1117G>C, p.Asp373His (NM_001354705.2); short protein forms D373H, D462H.
Identifiers: ClinVar variation 2882791 (VCV002882791.3), dbSNP rs2540503960, ClinGen allele CA385505989.